The following is an entry in ClinVar:

ClinVar aggregate classification (germline): Conflicting classifications of pathogenicity. Review status: criteria provided, conflicting classifications (1 of 4 stars). 7 submissions from 6 submitters: Pathogenic (1); Likely pathogenic (3); Uncertain significance (1). 2 of the submissions do not count toward it. Last evaluated 2025-02-10.

Conditions:
BUB1B-related disorder. Also called: BUB1B-related condition.
Colorectal cancer. Also called: Malignant Colorectal Neoplasm; Colorectal cancer, somatic. Identifiers: MedGen C0346629, MONDO:0005575, OMIM 114500.
Premature chromatid separation trait (PCS). Also called: TOTAL PREMATURE CHROMATID SEPARATION TRAIT. Identifiers: MedGen C1864389, MONDO:0008304, OMIM 176430.
Mosaic variegated aneuploidy syndrome 1 (MVA1). Also called: Warburton-Anyane-Yeboa syndrome. Identifiers: Orphanet 1052, MedGen C1850343, MONDO:0009759, OMIM 257300.

Allele frequency attached by ClinVar (database versions not stated): gnomAD exomes 0.00002; gnomAD 0.00003; TOPMed 0.00003; ExAC 0.00001.
gnomAD v4.1: 34 of 1,608,360 alleles (0.0021%); highest among the groups gnomAD compares: African/African-American, 0.008%; no homozygotes.

Submissions (7):

Labcorp Genetics (formerly Invitae), Labcorp
Classification: Uncertain significance for Mosaic variegated aneuploidy syndrome 1. Last evaluated: 2025-02-10. Review status: criteria provided, single submitter. Criteria: Invitae Variant Classification Sherloc (09022015). Collection method: clinical testing. Allele origin: germline.
Comment: This sequence change falls in intron 18 of the BUB1B gene. It does not directly change the encoded amino acid sequence of the BUB1B protein. RNA analysis indicates that this variant induces altered splicing and may result in an absent or altered protein product. This variant is present in population databases (rs751421137, gnomAD 0.007%). This variant has been observed in individual(s) with clinical features of mosaic variegated aneuploidy syndrome (PMID: 21190457, 32884756). ClinVar contains an entry for this variant (Variation ID: 30279). Studies have shown that this variant results in activation of a cryptic splice site, and produces a non-functional protein and/or introduces a premature termination codon (PMID: 21190457). In summary, the available evidence is currently insufficient to determine the role of this variant in disease. Therefore, it has been classified as a Variant of Uncertain Significance.

St. Jude Molecular Pathology, St. Jude Children's Research Hospital
Classification: Likely pathogenic for Mosaic variegated aneuploidy syndrome 1. Last evaluated: 2024-07-12. Review status: criteria provided, single submitter. Criteria: St. Jude Assertion Criteria 2020. Collection method: clinical testing. Allele origin: germline.
Comment: The BUB1B c.2386-11A>G change has a maximum subpopulation frequency of 0.0065% in gnomAD v2.1.1. This variant has been reported in individuals with clinical features of mosaic variegated aneuploidy syndrome (PMID: 21190457, 32884756). Algorithms that predict the impact of sequence changes on splicing indicate that this change may affect splicing, and RNA studies have shown that this variant results in generation of a cryptic splice site (PMID: 21190457). The use of this cryptic splice site introduces a premature stop codon at amino acid 820 and the resulting mRNA is expected to undergo nonsense-mediated decay. In summary, this variant meets criteria to be classified as likely pathogenic.

Fulgent Genetics
Classification: Likely pathogenic for Colorectal cancer; Premature chromatid separation trait; Mosaic variegated aneuploidy syndrome 1. Last evaluated: 2024-01-09. Review status: criteria provided, single submitter. Criteria: ACMG Guidelines, 2015. Collection method: clinical testing. Allele origin: germline.

Blueprint Genetics
Classification: Likely pathogenic for BUB1B-related disorders. Last evaluated: 2022-07-17. Review status: criteria provided, single submitter. Criteria: ACMG Guidelines, 2015. Collection method: clinical testing. Allele origin: germline. Affected: yes. Observed: 2 variant alleles.

Juno Genomics, Hangzhou Juno Genomics, Inc
Classification: Pathogenic for Mosaic variegated aneuploidy syndrome 1. Review status: criteria provided, single submitter. Criteria: ACMG Guidelines, 2015. Collection method: clinical testing. Allele origin: germline.
Comment: Absent from controls (or at extremely low frequency if recessive) in Genome Aggregation Database.;For recessive disorders, detected in trans with a pathogenic variant.;Patient's phenotype or family history is highly specific for a disease with a single genetic etiology.

OMIM
Classification: Pathogenic for MOSAIC VARIEGATED ANEUPLOIDY SYNDROME 1. Last evaluated: 2010-12-30. Review status: no assertion criteria provided. Collection method: literature only. Allele origin: germline. Not counted in ClinVar's aggregate classification.

OMIM
Classification: Affects for PREMATURE CHROMATID SEPARATION TRAIT. Last evaluated: 2010-12-30. Review status: no assertion criteria provided. Collection method: literature only. Allele origin: germline. Not counted in ClinVar's aggregate classification.

Literature cited by the submitters: PubMed 21190457 (cited by Labcorp Genetics (formerly Invitae), Labcorp and OMIM); PubMed 32884756 (cited by Labcorp Genetics (formerly Invitae), Labcorp).

NM_001211.6(BUB1B):c.2386-11A>G

Gene: BUB1B (BUB1 mitotic checkpoint serine/threonine kinase B; plus strand). Cytogenetic location: 15q15.1.
Variant type: single nucleotide variant.
Coding change: c.2386-11A>G on transcript NM_001211.6 (MANE Select); 11 bases into the intron before coding-DNA position 2386, A replaced by G.
Molecular consequence: intron variant.
Genome position (GRCh38, 1-based): chr15:40,212,488, A>G. VCF-style: chr15-40212488-A-G. GRCh37 (hg19) VCF-style: chr15-40504689-A-G.
Other names: IVS18AS, A-G, -11.
Identifiers: ClinVar variation 30279 (VCV000030279.10), dbSNP rs751421137, ClinGen allele CA7476035.